The following is an entry in ClinVar:

NM_024675.4(PALB2):c.3369G>C (p.Val1123=)

Gene: PALB2 (partner and localizer of BRCA2; minus strand). Cytogenetic location: 16p12.2.
Variant type: single nucleotide variant.
Coding change: c.3369G>C on transcript NM_024675.4 (MANE Select); coding-DNA position 3369, G replaced by C.
Protein change: p.Val1123=; no amino-acid change (valine 1123 retained).
Molecular consequence: synonymous variant.
Genome position (GRCh38, 1-based): chr16:23,603,651, C>G on the plus strand (G>C on the coding strand, the complement: PALB2 is on the minus strand). VCF-style: chr16-23603651-C-G. GRCh37 (hg19) VCF-style: chr16-23614972-C-G.
Identifiers: ClinVar variation 628660 (VCV000628660.3), dbSNP rs753357848, ClinGen allele CA494173812.
Genomic context (GRCh38, chr16:23,603,651, plus strand): 5'-AAGTAAGTCCCAAATGGCAATTGTTCCAGAAGTCAAGATTGCTGCTGCACAGTGATCTTT[C>G]ACGTCACCTTCCAGGAACCTGATAGCATACAAAGAAGATATAATTCAGATTACATATCCA-3'
Protein context (NP_078951.2, residues 1113-1133): GQAGRFLEGD[Val1123=]KDHCAAAILT

ClinVar aggregate classification (germline): Benign/Likely benign. Review status: criteria provided, multiple submitters, no conflicts (2 of 4 stars). 2 submissions from 2 submitters: Benign (1); Likely benign (1). Last evaluated 2025-01-22.

Conditions:
Hereditary cancer-predisposing syndrome. Also called: Neoplastic Syndromes, Hereditary; Tumor predisposition; Hereditary neoplastic syndrome; Hereditary Cancer Syndrome. Identifiers: Orphanet 140162, MedGen C0027672, MeSH D009386, MONDO:0015356.
Familial cancer of breast. Also called: BREAST CANCER, FAMILIAL; Hereditary breast cancer; hereditary breast carcinoma. Identifiers: Orphanet 227535, MedGen C0346153, MONDO:0016419, OMIM 114480. Disease mechanism: loss of function.

Submissions (2):

Myriad Genetics, Inc.
Classification: Benign for Familial cancer of breast. Last evaluated: 2025-01-22. Review status: criteria provided, single submitter. Criteria: Myriad Autosomal Dominant, Autosomal Recessive and X-Linked Classification Criteria (2023). Collection method: clinical testing. Allele origin: unknown.
Comment: This variant is considered benign. This variant is a silent/synonymous amino acid change and it is not expected to impact splicing.

Color Diagnostics, LLC DBA Color Health
Classification: Likely benign for Hereditary cancer-predisposing syndrome. Last evaluated: 2018-06-11. Review status: criteria provided, single submitter. Criteria: ACMG Guidelines, 2015. Collection method: clinical testing. Allele origin: germline.